The following is an entry in ClinVar:

NM_001080508.3(TBX18):c.465A>G (p.Ile155Met)

Gene: TBX18 (T-box transcription factor 18; minus strand). Cytogenetic location: 6q14.3.
Variant type: single nucleotide variant.
Coding change: c.465A>G on transcript NM_001080508.3 (MANE Select); coding-DNA position 465, A replaced by G.
Protein change: p.Ile155Met; replaces isoleucine 155 with methionine.
Molecular consequence: missense variant.
Genome position (GRCh38, 1-based): chr6:84,762,576, T>C on the plus strand (A>G on the coding strand, the complement: TBX18 is on the minus strand). VCF-style: chr6-84762576-T-C. GRCh37 (hg19) VCF-style: chr6-85472294-T-C.
Other names: short protein forms I155M.
Identifiers: ClinVar variation 4692890 (VCV004692890.1).

ClinVar aggregate classification (germline): Uncertain significance (1 of 4 stars; one submission).

gnomAD v4.1: 3 of 1,613,896 alleles (0.00019%); highest among the groups gnomAD compares: African/African-American, 0.004%; no homozygotes.

Submission:

Labcorp Genetics (formerly Invitae), Labcorp
Classification: Uncertain significance. Last evaluated: 2025-06-22. Review status: criteria provided, single submitter. Criteria: Invitae Variant Classification Sherloc (09022015). Collection method: clinical testing. Allele origin: germline.
Comment: This sequence change replaces isoleucine, which is neutral and non-polar, with methionine, which is neutral and non-polar, at codon 155 of the TBX18 protein (p.Ile155Met). This variant is present in population databases (no rsID available, gnomAD 0.005%). This variant has not been reported in the literature in individuals affected with TBX18-related conditions. Invitae Evidence Modeling of protein sequence and biophysical properties (such as structural, functional, and spatial information, amino acid conservation, physicochemical variation, residue mobility, and thermodynamic stability) indicates that this missense variant is expected to disrupt TBX18 protein function with a positive predictive value of 80%. In summary, the available evidence is currently insufficient to determine the role of this variant in disease. Therefore, it has been classified as a Variant of Uncertain Significance.